The following is an entry in ClinVar:

NM_001939.3(DRP2):c.1342A>C (p.Ile448Leu)

Gene: DRP2 (dystrophin related protein 2; plus strand). Cytogenetic location: Xq22.1.
Variant type: single nucleotide variant.
Coding change: c.1342A>C on transcript NM_001939.3 (MANE Select); coding-DNA position 1342, A replaced by C.
Protein change: p.Ile448Leu; replaces isoleucine 448 with leucine.
Molecular consequence: missense variant.
Genome position (GRCh38, 1-based): chrX:101,248,178, A>C. VCF-style: chrX-101248178-A-C. GRCh37 (hg19) VCF-style: chrX-100503167-A-C.
Other names: c.1108A>C, p.Ile370Leu (NM_001171184.2); short protein forms I370L, I448L.
Identifiers: ClinVar variation 5035586 (VCV005035586.1).

ClinVar aggregate classification (germline): Uncertain significance (1 of 4 stars; one submission).

gnomAD v4.1: 3 of 1,211,565 alleles (0.00025%); highest among the groups gnomAD compares: Non-Finnish European, 0.00034%; no homozygotes.

Submission:

Ambry Genetics
Classification: Uncertain significance. Last evaluated: 2026-07-14. Review status: criteria provided, single submitter. Criteria: Ambry Variant Classification Scheme 2023. Collection method: clinical testing. Allele origin: germline.
Comment: The c.1342A>C (p.I448L) alteration is located in exon 13 (coding exon 11) of the DRP2 gene. This alteration results from a A to C substitution at nucleotide position 1342, causing the isoleucine (I) at amino acid position 448 to be replaced by a leucine (L). Based on data from gnomAD, the C allele has an overall frequency of <0.001% (1/183465) total alleles studied. The highest observed frequency was 0.001% (1/81903) of European (non-Finnish) alleles. Based on insufficient or conflicting evidence, the clinical significance of this alteration remains unclear.